The following is an entry in ClinVar:

NM_000179.3(MSH6):c.3488_3489delinsGT (p.Glu1163Gly)

Gene: MSH6 (mutS homolog 6; plus strand). Cytogenetic location: 2p16.3.
Variant type: Indel.
Coding change: c.3488_3489delinsGT on transcript NM_000179.3 (MANE Select); coding-DNA positions 3488 to 3489, AA replaced by GT.
Protein change: p.Glu1163Gly; replaces glutamic acid 1163 with glycine.
Molecular consequence: missense variant. On other transcripts: non-coding transcript variant (4).
Genome position (GRCh38, 1-based): chr2:47,804,959-47,804,960, AA replaced by GT. VCF-style: chr2-47804959-AA-GT. GRCh37 (hg19) VCF-style: chr2-48032098-AA-GT.
Other names: c.3488_3489delinsGT, p.Glu1163Gly (NM_001406800.1, NM_001406808.1, NM_001406809.1 and 1 more transcripts); c.3191_3192delinsGT, p.Glu1064Gly (NM_001406801.1, NM_001406805.1, NM_001406819.1 and 10 more transcripts); c.3584_3585delinsGT, p.Glu1195Gly (NM_001406802.1, NM_001406795.1); c.2624_2625delinsGT, p.Glu875Gly (NM_001406803.1); c.3410_3411delinsGT, p.Glu1137Gly (NM_001406804.1); c.2963_2964delinsGT, p.Glu988Gly (NM_001406806.1, NM_001406807.1, NM_001406799.1); c.2582_2583delinsGT, p.Glu861Gly (NM_001406823.1, NM_001281493.2, NM_001281494.2 and 6 more transcripts); c.3320_3321delinsGT, p.Glu1107Gly (NM_001406826.1); and 7 more; short protein forms E1105G, E1163G, E1165G, E875G, E1064G, E112G, E90G, E1195G.
Identifiers: ClinVar variation 3659623 (VCV003659623.2).

ClinVar aggregate classification (germline): Uncertain significance (1 of 4 stars; one submission).

Conditions:
Hereditary nonpolyposis colorectal neoplasms. Identifiers: MedGen C0009405, MeSH D003123.

Submission:

Labcorp Genetics (formerly Invitae), Labcorp
Classification: Uncertain significance for Hereditary nonpolyposis colorectal neoplasms. Last evaluated: 2024-07-17. Review status: criteria provided, single submitter. Criteria: Invitae Variant Classification Sherloc (09022015). Collection method: clinical testing. Allele origin: germline.
Comment: This sequence change replaces glutamic acid, which is acidic and polar, with glycine, which is neutral and non-polar, at codon 1163 of the MSH6 protein (p.Glu1163Gly). Information on the frequency of this variant in the gnomAD database is not available, as this variant may be reported differently in the database. This variant has not been reported in the literature in individuals affected with MSH6-related conditions. An algorithm developed to predict the effect of missense changes on protein structure and function (PolyPhen-2) suggests that this variant is likely to be disruptive. In summary, the available evidence is currently insufficient to determine the role of this variant in disease. Therefore, it has been classified as a Variant of Uncertain Significance.